The following is an entry in ClinVar:

NM_004304.5(ALK):c.3031G>C (p.Gly1011Arg)

Gene: ALK (ALK receptor tyrosine kinase; minus strand). Cytogenetic location: 2p23.2.
Variant type: single nucleotide variant.
Coding change: c.3031G>C on transcript NM_004304.5 (MANE Select); coding-DNA position 3031, G replaced by C.
Protein change: p.Gly1011Arg; replaces glycine 1011 with arginine.
Molecular consequence: missense variant.
Genome position (GRCh38, 1-based): chr2:29,226,958, C>G on the plus strand (G>C on the coding strand, the complement: ALK is on the minus strand). VCF-style: chr2-29226958-C-G. GRCh37 (hg19) VCF-style: chr2-29449824-C-G.
Other names: short protein forms G1011R.
Identifiers: ClinVar variation 1799052 (VCV001799052.6), dbSNP rs587778021, ClinGen allele CA346467596.

ClinVar aggregate classification (germline): Uncertain significance. Review status: criteria provided, multiple submitters, no conflicts (2 of 4 stars). 2 submissions from 2 submitters: Uncertain significance (2). Last evaluated 2025-05-31.

Conditions:
Hereditary cancer-predisposing syndrome. Also called: Neoplastic Syndromes, Hereditary; Tumor predisposition; Hereditary neoplastic syndrome; Hereditary Cancer Syndrome. Identifiers: Orphanet 140162, MedGen C0027672, MeSH D009386, MONDO:0015356.
Neuroblastoma, susceptibility to, 3. Also called: ALK-Related Neuroblastic Tumor Susceptibility. Identifiers: Orphanet 635, MedGen C2751681, MONDO:0013083, OMIM 613014.

gnomAD v4.1: 1 of 1,614,214 alleles (0.000062%); no homozygotes.

Submissions (2):

Ambry Genetics
Classification: Uncertain significance for Hereditary cancer-predisposing syndrome. Last evaluated: 2025-05-31. Review status: criteria provided, single submitter. Criteria: Ambry Variant Classification Scheme 2023. Collection method: clinical testing. Allele origin: germline.
Comment: The p.G1011R variant (also known as c.3031G>C), located in coding exon 18 of the ALK gene, results from a G to C substitution at nucleotide position 3031. The glycine at codon 1011 is replaced by arginine, an amino acid with dissimilar properties. This amino acid position is well conserved in available vertebrate species. In addition, this alteration is predicted to be deleterious by in silico analysis. Based on the available evidence, the clinical significance of this variant remains unclear.

Labcorp Genetics (formerly Invitae), Labcorp
Classification: Uncertain significance for Neuroblastoma, susceptibility to, 3. Last evaluated: 2025-04-18. Review status: criteria provided, single submitter. Criteria: Invitae Variant Classification Sherloc (09022015). Collection method: clinical testing. Allele origin: germline.
Comment: This sequence change replaces glycine, which is neutral and non-polar, with arginine, which is basic and polar, at codon 1011 of the ALK protein (p.Gly1011Arg). This variant is not present in population databases (gnomAD no frequency). This variant has not been reported in the literature in individuals affected with ALK-related conditions. ClinVar contains an entry for this variant (Variation ID: 1799052). An algorithm developed to predict the effect of missense changes on protein structure and function (PolyPhen-2) suggests that this variant is likely to be disruptive. In summary, the available evidence is currently insufficient to determine the role of this variant in disease. Therefore, it has been classified as a Variant of Uncertain Significance.